The following is an entry in ClinVar:

ClinVar aggregate classification (germline): Uncertain significance (1 of 4 stars; one submission).

gnomAD v4.1: 1 of 1,612,852 alleles (0.000062%); highest among the groups gnomAD compares: Non-Finnish European, 0.000085%; no homozygotes.

Submission:

Ambry Genetics
Classification: Uncertain significance. Last evaluated: 2024-05-23. Review status: criteria provided, single submitter. Criteria: Ambry Variant Classification Scheme 2023. Collection method: clinical testing. Allele origin: germline.
Comment: The p.G92E variant (also known as c.275G>A), located in coding exon 2 of the MYLK2 gene, results from a G to A substitution at nucleotide position 275. The glycine at codon 92 is replaced by glutamic acid, an amino acid with similar properties. This amino acid position is conserved. In addition, this alteration is predicted to be tolerated by in silico analysis. Based on the available evidence, the clinical significance of this variant remains unclear.

NM_033118.4(MYLK2):c.275G>A (p.Gly92Glu)

Gene: MYLK2 (myosin light chain kinase 2; plus strand). Cytogenetic location: 20q11.21.
Variant type: single nucleotide variant.
Coding change: c.275G>A on transcript NM_033118.4 (MANE Select); coding-DNA position 275, G replaced by A.
Protein change: p.Gly92Glu; replaces glycine 92 with glutamic acid.
Molecular consequence: missense variant.
Genome position (GRCh38, 1-based): chr20:31,820,348, G>A. VCF-style: chr20-31820348-G-A. GRCh37 (hg19) VCF-style: chr20-30408151-G-A.
Other names: short protein forms G92E.
Identifiers: ClinVar variation 3297636 (VCV003297636.1).